The following is an entry in ClinVar:

ClinVar aggregate classification (germline): Uncertain significance. Review status: criteria provided, multiple submitters, no conflicts (2 of 4 stars). 2 submissions from 2 submitters: Uncertain significance (2). Last evaluated 2025-06-07.

Conditions:
Inborn genetic diseases. Identifiers: MedGen C0950123, MeSH D030342.
Peroxisome biogenesis disorder, complementation group 7 (CG7). Also called: Peroxisome biogenesis disorder, complementation group B. Identifiers: MedGen C1864399.

Allele frequency attached by ClinVar (database versions not stated): gnomAD exomes 0.00004 and below 0.00001; TOPMed 0.00002; ExAC 0.00014.
gnomAD v4.1: 7 of 1,603,950 alleles (0.00044%); highest among the groups gnomAD compares: East Asian, 0.014%; no homozygotes.

Submissions (2):

Ambry Genetics
Classification: Uncertain significance for Inborn genetic diseases. Last evaluated: 2025-06-07. Review status: criteria provided, single submitter. Criteria: Ambry Variant Classification Scheme 2023. Collection method: clinical testing. Allele origin: germline.

Labcorp Genetics (formerly Invitae), Labcorp
Classification: Uncertain significance for Peroxisome biogenesis disorder, complementation group 7. Last evaluated: 2022-08-10. Review status: criteria provided, single submitter. Criteria: Invitae Variant Classification Sherloc (09022015). Collection method: clinical testing. Allele origin: germline.
Comment: This sequence change replaces isoleucine, which is neutral and non-polar, with threonine, which is neutral and polar, at codon 340 of the PEX10 protein (p.Ile340Thr). This variant is present in population databases (rs769097644, gnomAD 0.06%). This variant has not been reported in the literature in individuals affected with PEX10-related conditions. ClinVar contains an entry for this variant (Variation ID: 1360381). Algorithms developed to predict the effect of missense changes on protein structure and function are either unavailable or do not agree on the potential impact of this missense change (SIFT: "Deleterious"; PolyPhen-2: "Benign"; Align-GVGD: "Class C25"). In summary, the available evidence is currently insufficient to determine the role of this variant in disease. Therefore, it has been classified as a Variant of Uncertain Significance.

NM_002617.4(PEX10):c.959T>C (p.Ile320Thr)

Gene: PEX10 (peroxisomal biogenesis factor 10; minus strand). Cytogenetic location: 1p36.32.
Variant type: single nucleotide variant.
Coding change: c.959T>C on transcript NM_002617.4 (MANE Select); coding-DNA position 959, T replaced by C.
Protein change: p.Ile320Thr; replaces isoleucine 320 with threonine.
Molecular consequence: missense variant. On other transcripts: non-coding transcript variant (1).
Genome position (GRCh38, 1-based): chr1:2,405,788, A>G on the plus strand (T>C on the coding strand, the complement: PEX10 is on the minus strand). VCF-style: chr1-2405788-A-G. GRCh37 (hg19) VCF-style: chr1-2337227-A-G.
Other names: c.1016T>C, p.Ile339Thr (NM_001374425.1); c.584T>C, p.Ile195Thr (NM_001374426.1); c.527T>C, p.Ile176Thr (NM_001374427.1); c.1019T>C, p.Ile340Thr (NM_153818.2); c.1019T>C (NM_153818.1); short protein forms I195T, I320T, I339T, I340T, I176T.
Identifiers: ClinVar variation 1360381 (VCV001360381.4), dbSNP rs769097644, ClinGen allele CA537946.
Genomic context (GRCh38, chr1:2,405,788, plus strand): 5'-TAGAGGTCATCTGTGTCCAGGCCCACCCGGGCGCCGGCTCAGCGGTAGTGCCGAAGGTAG[A>G]TGAGCTTCTGGGGAGGGAACTTCTCCCGGCAGAGGGGACACTCCGCCTGCGGAGAGGAGA-3'
Protein context (NP_002608.1, residues 310-326): CREKFPPQKL[Ile320Thr]YLRHYR